The following is an entry in ClinVar:

NM_005732.4(RAD50):c.2685dup (p.Thr896fs)

Gene: RAD50 (RAD50 double strand break repair protein; plus strand). Cytogenetic location: 5q31.1.
Variant type: Duplication.
Coding change: c.2685dup on transcript NM_005732.4 (MANE Select); coding-DNA position 2685, one base duplicated (C; older notation c.2685dupC).
Protein change: p.Thr896fs; shifts the reading frame from threonine 896.
Molecular consequence: frameshift variant.
Genome position (GRCh38, 1-based): chr5:132,604,966, C duplicated; the last of 2 consecutive C bases (chr5:132,604,965-132,604,966); duplicating either gives the same sequence. VCF-style (leftmost placement, unchanged base first): chr5-132604964-T-TC. GRCh37 (hg19) VCF-style: chr5-131940656-T-TC.
Other names: short protein forms T896fs.
Identifiers: ClinVar variation 1075970 (VCV001075970.7), dbSNP rs2149847849, ClinGen allele CA2499217577.

ClinVar aggregate classification (germline): Pathogenic (1 of 4 stars; one submission).

Conditions:
Hereditary cancer-predisposing syndrome. Also called: Tumor predisposition; Hereditary neoplastic syndrome; Neoplastic Syndromes, Hereditary; Hereditary Cancer Syndrome. Identifiers: Orphanet 140162, MedGen C0027672, MeSH D009386, MONDO:0015356.

Submission:

Labcorp Genetics (formerly Invitae), Labcorp
Classification: Pathogenic for Hereditary cancer-predisposing syndrome. Last evaluated: 2021-10-06. Review status: criteria provided, single submitter. Criteria: Invitae Variant Classification Sherloc (09022015). Collection method: clinical testing. Allele origin: germline.
Comment: For these reasons, this variant has been classified as Pathogenic. ClinVar contains an entry for this variant (Variation ID: 1075970). This variant has not been reported in the literature in individuals affected with RAD50-related conditions. This variant is not present in population databases (ExAC no frequency). This sequence change creates a premature translational stop signal (p.Thr896Hisfs*2) in the RAD50 gene. It is expected to result in an absent or disrupted protein product. Loss-of-function variants in RAD50 are known to be pathogenic (PMID: 19409520).

Literature cited by the submitters: PubMed 19409520.